The following is an entry in ClinVar:

ClinVar aggregate classification (germline): Uncertain significance. Review status: criteria provided, multiple submitters, no conflicts (2 of 4 stars). 2 submissions from 2 submitters: Uncertain significance (2). Last evaluated 2025-05-07.

Conditions:
Inborn genetic diseases. Identifiers: MedGen C0950123, MeSH D030342.

Allele frequency attached by ClinVar (database versions not stated): gnomAD exomes below 0.00001; ExAC 0.00001; gnomAD 0.00001; TOPMed 0.00002.
gnomAD v4.1: 5 of 1,613,598 alleles (0.00031%); highest among the groups gnomAD compares: East Asian, 0.011%; no homozygotes.

Submissions (2):

Labcorp Genetics (formerly Invitae), Labcorp
Classification: Uncertain significance. Last evaluated: 2025-05-07. Review status: criteria provided, single submitter. Criteria: Invitae Variant Classification Sherloc (09022015). Collection method: clinical testing. Allele origin: germline.
Comment: This sequence change replaces threonine, which is neutral and polar, with alanine, which is neutral and non-polar, at codon 447 of the ACE protein (p.Thr447Ala). This variant is present in population databases (rs761659396, gnomAD 0.03%). This variant has not been reported in the literature in individuals affected with ACE-related conditions. ClinVar contains an entry for this variant (Variation ID: 2510046). Invitae Evidence Modeling of protein sequence and biophysical properties (such as structural, functional, and spatial information, amino acid conservation, physicochemical variation, residue mobility, and thermodynamic stability) indicates that this missense variant is not expected to disrupt ACE protein function with a negative predictive value of 80%. In summary, the available evidence is currently insufficient to determine the role of this variant in disease. Therefore, it has been classified as a Variant of Uncertain Significance.

Ambry Genetics
Classification: Uncertain significance for Inborn genetic diseases. Last evaluated: 2023-05-18. Review status: criteria provided, single submitter. Criteria: Ambry Variant Classification Scheme 2023. Collection method: clinical testing. Allele origin: germline.

NM_000789.4(ACE):c.1339A>G (p.Thr447Ala)

Gene: ACE (angiotensin I converting enzyme; plus strand). Cytogenetic location: 17q23.3.
Variant type: single nucleotide variant.
Coding change: c.1339A>G on transcript NM_000789.4 (MANE Select); coding-DNA position 1339, A replaced by G.
Protein change: p.Thr447Ala; replaces threonine 447 with alanine.
Molecular consequence: missense variant.
Genome position (GRCh38, 1-based): chr17:63,482,686, A>G. VCF-style: chr17-63482686-A-G. GRCh37 (hg19) VCF-style: chr17-61560047-A-G.
Other names: c.772A>G, p.Thr258Ala (NM_001382700.1); c.487A>G, p.Thr163Ala (NM_001382701.1); short protein forms T258A, T163A, T447A.
Identifiers: ClinVar variation 2510046 (VCV002510046.3), dbSNP rs761659396, ClinGen allele CA8699481.